The following is an entry in ClinVar:

ClinVar aggregate classification (germline): Conflicting classifications of pathogenicity. Review status: criteria provided, conflicting classifications (1 of 4 stars). 4 submissions from 4 submitters: Uncertain significance (3); Likely benign (1). Last evaluated 2025-12-16.

Conditions:
Familial adenomatous polyposis 3. Also called: NTHL1-related attenuated familial adenomatous polyposis; NTHL1-Related Adenomatous Polyposis and Colorectal Cancer; NTHL1-associated polyposis; NTHL1 Tumor Syndrome. Identifiers: Orphanet 220460, Orphanet 454840, MedGen C4225157, MONDO:0014630, OMIM 616415.
Hereditary cancer-predisposing syndrome. Also called: Neoplastic Syndromes, Hereditary; Hereditary neoplastic syndrome; Tumor predisposition; Hereditary Cancer Syndrome. Identifiers: Orphanet 140162, MedGen C0027672, MeSH D009386, MONDO:0015356.

gnomAD v4.1: 2 of 1,612,576 alleles (0.00012%); highest among the groups gnomAD compares: Admixed American, 0.0017%; no homozygotes.

Submissions (4):

Labcorp Genetics (formerly Invitae), Labcorp
Classification: Uncertain significance. Last evaluated: 2025-12-16. Review status: criteria provided, single submitter. Criteria: Invitae Variant Classification Sherloc (09022015). Collection method: clinical testing. Allele origin: germline.
Comment: This sequence change replaces arginine, which is basic and polar, with leucine, which is neutral and non-polar, at codon 65 of the NTHL1 protein (p.Arg65Leu). This variant is present in population databases (rs774831009, gnomAD 0.003%). This variant has not been reported in the literature in individuals affected with NTHL1-related conditions. ClinVar contains an entry for this variant (Variation ID: 863954). An algorithm developed to predict the effect of missense changes on protein structure and function (PolyPhen-2) suggests that this variant is likely to be tolerated. In summary, the available evidence is currently insufficient to determine the role of this variant in disease. Therefore, it has been classified as a Variant of Uncertain Significance.

Quest Diagnostics Nichols Institute San Juan Capistrano
Classification: Uncertain significance. Last evaluated: 2025-10-31. Review status: criteria provided, single submitter. Criteria: Quest Diagnostics criteria. Collection method: clinical testing. Allele origin: unknown.
Comment: The NTHL1 c.194G>T (p.Arg65Leu) variant has not been reported in individuals with NTHL1-related conditions in the published literature. The frequency of this variant in the general population (Genome Aggregation Database) is uninformative in the assessment of its pathogenicity. Analysis of this variant using bioinformatics tools for the prediction of the effect of amino acid changes on protein structure and function yielded predictions that this variant is benign. Based on the available information, we are unable to determine the clinical significance of this variant.

Ambry Genetics
Classification: Likely benign for Hereditary cancer-predisposing syndrome. Last evaluated: 2024-03-27. Review status: criteria provided, single submitter. Criteria: Ambry Variant Classification Scheme 2023. Collection method: clinical testing. Allele origin: germline.

Baylor Genetics
Classification: Uncertain significance for Familial adenomatous polyposis 3. Last evaluated: 2022-02-17. Review status: criteria provided, single submitter. Criteria: ACMG Guidelines, 2015. Collection method: clinical testing. Allele origin: unknown.

NM_002528.7(NTHL1):c.170G>T (p.Arg57Leu)

Gene: NTHL1 (nth like DNA glycosylase 1; minus strand). Cytogenetic location: 16p13.3.
Variant type: single nucleotide variant.
Coding change: c.170G>T on transcript NM_002528.7 (MANE Select); coding-DNA position 170, G replaced by T.
Protein change: p.Arg57Leu; replaces arginine 57 with leucine.
Molecular consequence: missense variant. On other transcripts: 5 prime UTR variant (1).
Genome position (GRCh38, 1-based): chr16:2,046,312, C>A on the plus strand (G>T on the coding strand, the complement: NTHL1 is on the minus strand). VCF-style: chr16-2046312-C-A. GRCh37 (hg19) VCF-style: chr16-2096313-C-A.
Other names: c.170G>T, p.Arg57Leu (NM_001318193.2); c.-9G>T (NM_001318194.2); short protein forms R57L.
Identifiers: ClinVar variation 863954 (VCV000863954.12), dbSNP rs774831009, ClinGen allele CA7828351.